The following is an entry in ClinVar:

ClinVar aggregate classification (germline): Uncertain significance (1 of 4 stars; one submission).

Conditions:
Tuberous sclerosis 2 (TSC2). Identifiers: Orphanet 805, MedGen C1860707, MONDO:0013199, OMIM 613254.

Submission:

Labcorp Genetics (formerly Invitae), Labcorp
Classification: Uncertain significance for Tuberous sclerosis 2. Last evaluated: 2024-09-14. Review status: criteria provided, single submitter. Criteria: Invitae Variant Classification Sherloc (09022015). Collection method: clinical testing. Allele origin: germline.
Comment: This sequence change falls in intron 28 of the TSC2 gene. It does not directly change the encoded amino acid sequence of the TSC2 protein. This variant is not present in population databases (gnomAD no frequency). This variant has not been reported in the literature in individuals affected with TSC2-related conditions. Algorithms developed to predict the effect of sequence changes on RNA splicing suggest that this variant may disrupt the consensus splice site. In summary, the available evidence is currently insufficient to determine the role of this variant in disease. Therefore, it has been classified as a Variant of Uncertain Significance.

NM_000548.5(TSC2):c.3285-7T>A

Gene: TSC2 (TSC complex subunit 2; plus strand). Cytogenetic location: 16p13.3.
Variant type: single nucleotide variant.
Coding change: c.3285-7T>A on transcript NM_000548.5 (MANE Select); 7 bases into the intron before coding-DNA position 3285, T replaced by A.
Molecular consequence: intron variant.
Genome position (GRCh38, 1-based): chr16:2,079,550, T>A. VCF-style: chr16-2079550-T-A. GRCh37 (hg19) VCF-style: chr16-2129551-T-A.
Other names: c.1812-7T>A (NM_001406693.1, NM_001406690.1, NM_001406692.1 and 1 more transcripts); c.3246-7T>A (NM_001406667.1); c.3243-7T>A (NM_001406668.1); c.2685-7T>A (NM_001406680.1, NM_001406683.1, NM_001406682.1); c.2553-7T>A (NM_001406687.1, NM_001318831.2, NM_001406688.1); c.1941-7T>A (NM_001406689.1); c.1809-7T>A (NM_001406691.1, NM_001406697.1, NM_001406695.1 and 1 more transcripts); c.1551-7T>A (NM_001406698.1); and 18 more.
Identifiers: ClinVar variation 3632100 (VCV003632100.2).